The following is an entry in ClinVar:

ClinVar aggregate classification (germline): Uncertain significance (1 of 4 stars; one submission).

Submission:

Ambry Genetics
Classification: Uncertain significance. Last evaluated: 2025-08-10. Review status: criteria provided, single submitter. Criteria: Ambry Variant Classification Scheme 2023. Collection method: clinical testing. Allele origin: germline.
Comment: The p.P58L variant (also known as c.173C>T), located in coding exon 1 of the CDK12 gene, results from a C to T substitution at nucleotide position 173. The proline at codon 58 is replaced by leucine, an amino acid with similar properties. This amino acid position is conserved. In addition, this alteration is predicted to be tolerated by in silico analysis. Based on the available evidence, the clinical significance of this variant remains unclear.

NM_016507.4(CDK12):c.173C>T (p.Pro58Leu)

Genes: CDK12 (cyclin dependent kinase 12; plus strand), LOC126862553 (CDK7 strongly-dependent group 2 enhancer GRCh37_chr17:37618166-37619365; plus strand). Cytogenetic location: 17q12.
Variant type: single nucleotide variant.
Coding change: c.173C>T on transcript NM_016507.4 (MANE Select); coding-DNA position 173, C replaced by T.
Protein change: p.Pro58Leu; replaces proline 58 with leucine.
Molecular consequence: missense variant.
Genome position (GRCh38, 1-based): chr17:39,462,244, C>T. VCF-style: chr17-39462244-C-T. GRCh37 (hg19) VCF-style: chr17-37618497-C-T.
Other names: c.173C>T, p.Pro58Leu (NM_015083.4); short protein forms P58L.
Identifiers: ClinVar variation 4224371 (VCV004224371.1).